The following is an entry in ClinVar:

NM_002299.4(LCT):c.4866G>T (p.Gln1622His)

Gene: LCT (lactase; minus strand). Cytogenetic location: 2q21.3.
Variant type: single nucleotide variant.
Coding change: c.4866G>T on transcript NM_002299.4 (MANE Select); coding-DNA position 4866, G replaced by T.
Protein change: p.Gln1622His; replaces glutamine 1622 with histidine.
Molecular consequence: missense variant.
Genome position (GRCh38, 1-based): chr2:135,800,607, C>A on the plus strand (G>T on the coding strand, the complement: LCT is on the minus strand). VCF-style: chr2-135800607-C-A. GRCh37 (hg19) VCF-style: chr2-136558177-C-A.
Other names: short protein forms Q1622H.
Identifiers: ClinVar variation 1519067 (VCV001519067.5), dbSNP rs758746759, ClinGen allele CA1887767.

ClinVar aggregate classification (germline): Uncertain significance (1 of 4 stars; one submission).

Allele frequency attached by ClinVar (database versions not stated): gnomAD exomes below 0.00001; ExAC 0.00001; gnomAD 0.00001.
gnomAD v4.1: 2 of 1,611,242 alleles (0.00012%); highest among the groups gnomAD compares: Non-Finnish European, 0.00017%; no homozygotes.

Submission:

Labcorp Genetics (formerly Invitae), Labcorp
Classification: Uncertain significance. Last evaluated: 2021-03-07. Review status: criteria provided, single submitter. Criteria: Invitae Variant Classification Sherloc (09022015). Collection method: clinical testing. Allele origin: germline.
Comment: This variant has not been reported in the literature in individuals with LCT-related conditions. Algorithms developed to predict the effect of missense changes on protein structure and function are either unavailable or do not agree on the potential impact of this missense change (SIFT: "Not Available"; PolyPhen-2: "Probably Damaging"; Align-GVGD: "Not Available"). Nucleotide substitutions within the consensus splice site are a relatively common cause of aberrant splicing (PMID: 17576681, 9536098). Experimental studies and prediction algorithms are not available or were not evaluated, and the effect of this variant on mRNA splicing is currently unknown. In summary, the available evidence is currently insufficient to determine the role of this variant in disease. Therefore, it has been classified as a Variant of Uncertain Significance. This variant is present in population databases (rs758746759, ExAC 0.001%). This sequence change replaces glutamine with histidine at codon 1622 of the LCT protein (p.Gln1622His). The glutamine residue is highly conserved and there is a small physicochemical difference between glutamine and histidine. This variant also falls at the last nucleotide of exon 12, which is part of the consensus splice site for this exon.

Literature cited by the submitters: PubMed 17576681; PubMed 9536098.